The following is an entry in ClinVar:

NM_012243.3(SLC35A3):c.738A>G (p.Ile246Met)

Gene: SLC35A3 (solute carrier family 35 member A3; plus strand). Cytogenetic location: 1p21.2.
Variant type: single nucleotide variant.
Coding change: c.738A>G on transcript NM_012243.3 (MANE Select); coding-DNA position 738, A replaced by G.
Protein change: p.Ile246Met; replaces isoleucine 246 with methionine.
Molecular consequence: missense variant. On other transcripts: intron variant (1).
Genome position (GRCh38, 1-based): chr1:100,015,405, A>G. VCF-style: chr1-100015405-A-G. GRCh37 (hg19) VCF-style: chr1-100480961-A-G.
Other names: c.864A>G, p.Ile288Met (NM_001271685.2); c.634+3872A>G (NM_001271684.2); short protein forms I246M, I288M.
Identifiers: ClinVar variation 2413902 (VCV002413902.2), dbSNP rs1660026650, ClinGen allele CA341316001.
Genomic context (GRCh38, chr1:100,015,405, plus strand): 5'-TGATGGAGAACTGGTATCAAAGAATGGATTTTTTCAGGGATATAACCGACTGACCTGGAT[A>G]GTAGTTGTTCTTCAGGTAAAGCATTTAAAGTCTTAGATTTAATGCTAATAAACTGTATTT-3'
Protein context (NP_036375.1, residues 236-256): FFQGYNRLTW[Ile246Met]VVVLQALGGL

ClinVar aggregate classification (germline): Uncertain significance (1 of 4 stars; one submission).

Conditions:
Autism spectrum disorder - epilepsy - arthrogryposis syndrome (AMRS). Identifiers: Orphanet 370943, MedGen C3809910, MONDO:0014248, OMIM 615553.

Allele frequency attached by ClinVar (database versions not stated): gnomAD 0.00001; gnomAD exomes 0.00001.
gnomAD v4.1: 13 of 1,606,328 alleles (0.00081%); highest among the groups gnomAD compares: Non-Finnish European, 0.0011%; no homozygotes.

Submission:

Labcorp Genetics (formerly Invitae), Labcorp
Classification: Uncertain significance for Autism spectrum disorder - epilepsy - arthrogryposis syndrome. Last evaluated: 2021-08-27. Review status: criteria provided, single submitter. Criteria: Invitae Variant Classification Sherloc (09022015). Collection method: clinical testing. Allele origin: germline.
Comment: This sequence change replaces isoleucine with methionine at codon 246 of the SLC35A3 protein (p.Ile246Met). The isoleucine residue is moderately conserved and there is a small physicochemical difference between isoleucine and methionine. This variant is not present in population databases (ExAC no frequency). This variant has not been reported in the literature in individuals affected with SLC35A3-related conditions. Algorithms developed to predict the effect of missense changes on protein structure and function are either unavailable or do not agree on the potential impact of this missense change (SIFT: "Deleterious"; PolyPhen-2: "Benign"; Align-GVGD: "Class C0"). In summary, the available evidence is currently insufficient to determine the role of this variant in disease. Therefore, it has been classified as a Variant of Uncertain Significance.